The following is an entry in ClinVar:

NM_000188.3(HK1):c.549A>G (p.Ala183=)

Gene: HK1 (hexokinase 1; plus strand). Cytogenetic location: 10q22.1.
Variant type: single nucleotide variant.
Coding change: c.549A>G on transcript NM_000188.3 (MANE Select); coding-DNA position 549, A replaced by G.
Protein change: p.Ala183=; no amino-acid change (alanine 183 retained).
Molecular consequence: synonymous variant. On other transcripts: intron variant (1).
Genome position (GRCh38, 1-based): chr10:69,368,589, A>G. VCF-style: chr10-69368589-A-G. GRCh37 (hg19) VCF-style: chr10-71128345-A-G.
Other names: c.561A>G, p.Ala187= (NM_001322364.2, NM_001358263.1, NM_033497.3 and 1 more transcripts); c.654A>G, p.Ala218= (NM_001322365.2); c.465A>G, p.Ala155= (NM_001322366.1); c.546A>G, p.Ala182= (NM_033496.3); c.513A>G, p.Ala171= (NM_033500.2); c.496-648A>G (NM_001322367.1).
Identifiers: ClinVar variation 2640548 (VCV002640548.24), dbSNP rs2540365881, ClinGen allele CA470026479.
Genomic context (GRCh38, chr10:69,368,589, plus strand): 5'-TTTGCAGGCCATCCTGATCACCTGGACAAAGCGATTTAAAGCGAGCGGAGTGGAAGGAGC[A>G]GATGTGGTCAAACTGCTTAACAAAGCCATCAAAAAGCGAGGGGTAATTTCTCCTGGGCCC-3'
Protein context (NP_000179.2, residues 173-193): KRFKASGVEG[Ala183=]DVVKLLNKAI

ClinVar aggregate classification (germline): Likely benign (1 of 4 stars; one submission).

Allele frequency attached by ClinVar (database versions not stated): gnomAD exomes below 0.00001.
gnomAD v4.1: 1 of 1,614,218 alleles (0.000062%); highest among the groups gnomAD compares: South Asian, 0.0011%; no homozygotes.

Submission:

CeGaT Center for Human Genetics Tuebingen
Classification: Likely benign. Last evaluated: 2023-05-01. Review status: criteria provided, single submitter. Criteria: CeGaT Center For Human Genetics Tuebingen Variant Classification Criteria Version 2. Collection method: clinical testing. Allele origin: germline. Affected: yes. Observed: 1 variant allele.
Comment: HK1: PM2:Supporting, BP4, BP7